The following is an entry in ClinVar:

ClinVar aggregate classification (germline): Uncertain significance (1 of 4 stars; one submission).

Conditions:
TMEM67-related disorder. Also called: TMEM67-related condition; TMEM67-related disorders. Identifiers: MedGen CN239423.

gnomAD v4.1: 8 of 1,584,222 alleles (0.0005%); highest among the groups gnomAD compares: African/African-American, 0.011%; no homozygotes.

Submission:

PreventionGenetics, part of Exact Sciences
Classification: Uncertain significance for TMEM67-related condition. Last evaluated: 2024-12-18. Review status: criteria provided, single submitter. Criteria: ACMG Guidelines, 2015. Collection method: clinical testing. Allele origin: germline.
Comment: The TMEM67 c.2647T>G variant is predicted to result in the amino acid substitution p.Ser883Ala. To our knowledge, this variant has not been reported in the literature or in a large population database (gnomAD), indicating this variant is rare. At this time, the clinical significance of this variant is uncertain due to the absence of conclusive functional and genetic evidence.

NM_153704.6(TMEM67):c.2647T>G (p.Ser883Ala)

Gene: TMEM67 (transmembrane protein 67; plus strand). Cytogenetic location: 8q22.1.
Variant type: single nucleotide variant.
Coding change: c.2647T>G on transcript NM_153704.6 (MANE Select); coding-DNA position 2647, T replaced by G.
Protein change: p.Ser883Ala; replaces serine 883 with alanine.
Molecular consequence: missense variant. On other transcripts: non-coding transcript variant (1).
Genome position (GRCh38, 1-based): chr8:93,809,147, T>G. VCF-style: chr8-93809147-T-G. GRCh37 (hg19) VCF-style: chr8-94821375-T-G.
Other names: c.2404T>G, p.Ser802Ala (NM_001142301.1); short protein forms S883A, S802A.
Identifiers: ClinVar variation 4999942 (VCV004999942.1).